The following is an entry in ClinVar:

ClinVar aggregate classification (germline): Uncertain significance (1 of 4 stars; one submission).

Conditions:
Familial hemophagocytic lymphohistiocytosis 3 (FHL3). Also called: UNC13D-Related Familial Hemophagocytic Lymphohistiocytosis (UNC13D-fHLH). Identifiers: Orphanet 540, MedGen C1837174, MONDO:0012146, OMIM 608898.

gnomAD v4.1: 1 of 1,593,100 alleles (0.000063%); highest among the groups gnomAD compares: East Asian, 0.0023%; no homozygotes.

Submission:

Labcorp Genetics (formerly Invitae), Labcorp
Classification: Uncertain significance for Familial hemophagocytic lymphohistiocytosis 3. Last evaluated: 2024-03-20. Review status: criteria provided, single submitter. Criteria: Invitae Variant Classification Sherloc (09022015). Collection method: clinical testing. Allele origin: germline.
Comment: This sequence change replaces serine, which is neutral and polar, with cysteine, which is neutral and slightly polar, at codon 942 of the UNC13D protein (p.Ser942Cys). This variant is not present in population databases (gnomAD no frequency). This variant has not been reported in the literature in individuals affected with UNC13D-related conditions. Advanced modeling of protein sequence and biophysical properties (such as structural, functional, and spatial information, amino acid conservation, physicochemical variation, residue mobility, and thermodynamic stability) performed at Invitae indicates that this missense variant is expected to disrupt UNC13D protein function with a positive predictive value of 80%. In summary, the available evidence is currently insufficient to determine the role of this variant in disease. Therefore, it has been classified as a Variant of Uncertain Significance.

NM_199242.3(UNC13D):c.2825C>G (p.Ser942Cys)

Genes: UNC13D (unc-13 homolog D; minus strand), LOC112533672 (Sharpr-MPRA regulatory region 1193; plus strand). Cytogenetic location: 17q25.1.
Variant type: single nucleotide variant.
Coding change: c.2825C>G on transcript NM_199242.3 (MANE Select); coding-DNA position 2825, C replaced by G.
Protein change: p.Ser942Cys; replaces serine 942 with cysteine.
Molecular consequence: missense variant.
Genome position (GRCh38, 1-based): chr17:75,830,367, G>C on the plus strand (C>G on the coding strand, the complement: UNC13D is on the minus strand). VCF-style: chr17-75830367-G-C. GRCh37 (hg19) VCF-style: chr17-73826448-G-C.
Other names: short protein forms S942C.
Identifiers: ClinVar variation 3681221 (VCV003681221.2).